The following is an entry in ClinVar:

ClinVar aggregate classification (germline): Likely pathogenic (1 of 4 stars; one submission).

Submission:

Labcorp Genetics (formerly Invitae), Labcorp
Classification: Likely pathogenic. Last evaluated: 2021-01-22. Review status: criteria provided, single submitter. Criteria: Invitae Variant Classification Sherloc (09022015). Collection method: clinical testing. Allele origin: unknown.
Comment: In summary, the currently available evidence indicates that the variant is pathogenic, but additional data are needed to prove that conclusively. Therefore, this variant has been classified as Likely Pathogenic. Loss-of-function variants in COL4A3 are known to be pathogenic (PMID: 8956999, 24854265, 26809805, 27281700). A similar duplication has been reported in the literature in an individual with COL4A3-related conditions (PMID: 24854265). This variant results in the duplication of exons 44-47 and part of exon 48 (c.3883-2068_4310dup) of the COL4A3 gene. While the exact position of this variant cannot be determined from this data, sub-genic copy number gains are generally in tandem (PMID: 25640679) and may result in an absent or disrupted protein product.

Literature cited by the submitters: PubMed 8956999; PubMed 24854265; PubMed 26809805; PubMed 27281700; PubMed 25640679.

NC_000002.11:g.(?_228165686)_(228172483_?)dup

Gene: COL4A3 (collagen type IV alpha 3 chain; plus strand). Cytogenetic location: 2q36.3.
Variant type: Duplication.
Identifiers: ClinVar variation 3247441 (VCV003247441.1).